The following is an entry in ClinVar:

NM_004279.3(PMPCB):c.-3G>T

Genes: PMPCB (peptidase, mitochondrial processing subunit beta; plus strand), LOC129999056 (ATAC-STARR-seq lymphoblastoid active region 26441; plus strand). Cytogenetic location: 7q22.1.
Variant type: single nucleotide variant.
Coding change: c.-3G>T on transcript NM_004279.3 (MANE Select); 3 bases upstream of the start codon, G replaced by T.
Molecular consequence: 5 prime UTR variant.
Genome position (GRCh38, 1-based): chr7:103,297,457, G>T. VCF-style: chr7-103297457-G-T. GRCh37 (hg19) VCF-style: chr7-102937904-G-T.
Identifiers: ClinVar variation 1031399 (VCV001031399.3), dbSNP rs771831705, ClinGen allele CA163861749.
Genomic context (GRCh38, chr7:103,297,457, plus strand): 5'-CTGGGACCTCAGGTCGCGACCCCGGAAGCACATCCTTCATCCTCTACCTTCCTTCTAGCA[G>T]AAATGGCGGCTGCGGCGGCTCGAGTGGTGTTGTCATCCGCGGCGCGGCGGCGGCTCTGGG-3'

ClinVar aggregate classification (germline): Uncertain significance. Review status: criteria provided, single submitter (1 of 4 stars). 2 submissions from 2 submitters: Uncertain significance (1). 1 of the submissions does not count toward it. Last evaluated 2018-10-31.

Conditions:
PMPCB-related disorder. Also called: PMPCB-related condition.
Multiple mitochondrial dysfunctions syndrome 6. Identifiers: Orphanet 569290, MedGen C4693741, MONDO:0054785, OMIM 617954.

Allele frequency attached by ClinVar (database versions not stated): gnomAD exomes 0.00001; gnomAD 0.00002 and 0.00003; TOPMed 0.00003.
gnomAD v4.1: 110 of 1,546,728 alleles (0.0071%); highest among the groups gnomAD compares: Non-Finnish European, 0.0092%; no homozygotes.

Submissions (2):

Baylor Genetics
Classification: Uncertain significance for Multiple mitochondrial dysfunctions syndrome 6. Last evaluated: 2018-10-31. Review status: criteria provided, single submitter. Criteria: ACMG Guidelines, 2015. Collection method: clinical testing. Allele origin: maternal. Affected: yes.
Comment: This variant was determined to be of uncertain significance according to ACMG Guidelines, 2015 [PMID:25741868].

PreventionGenetics, part of Exact Sciences
Classification: Likely benign for PMPCB-related condition. Last evaluated: 2020-02-27. Review status: no assertion criteria provided. Collection method: clinical testing. Allele origin: germline. Not counted in ClinVar's aggregate classification.
Comment: This variant is classified as likely benign based on ACMG/AMP sequence variant interpretation guidelines (Richards et al. 2015 PMID: 25741868, with internal and published modifications).